The following is an entry in ClinVar:

ClinVar aggregate classification (germline): Uncertain significance (1 of 4 stars; one submission).

Conditions:
Megaconial type congenital muscular dystrophy (MDCMC). Also called: MUSCULAR DYSTROPHY, CONGENITAL, WITH MITOCHONDRIAL STRUCTURAL ABNORMALITIES; CHKB-Related Muscular Dystrophy; CHKB-Related Muscle Diseases. Identifiers: Orphanet 280671, MedGen C1865233, MONDO:0011246, OMIM 602541.

Allele frequency attached by ClinVar (database versions not stated): gnomAD exomes 0.00005 and 0.00014; ExAC 0.00019.
gnomAD v4.1: 99 of 1,593,940 alleles (0.0062%); highest among the groups gnomAD compares: African/African-American, 0.0027%; no homozygotes.

Submission:

Labcorp Genetics (formerly Invitae), Labcorp
Classification: Uncertain significance for Megaconial type congenital muscular dystrophy. Last evaluated: 2022-03-08. Review status: criteria provided, single submitter. Criteria: Invitae Variant Classification Sherloc (09022015). Collection method: clinical testing. Allele origin: germline.
Comment: This sequence change replaces glycine, which is neutral and non-polar, with arginine, which is basic and polar, at codon 12 of the CHKB protein (p.Gly12Arg). This variant is present in population databases (rs533374333, gnomAD 0.1%). This variant has not been reported in the literature in individuals affected with CHKB-related conditions. Algorithms developed to predict the effect of missense changes on protein structure and function output the following: SIFT: "Tolerated"; PolyPhen-2: "Not Available"; Align-GVGD: "Class C0". The arginine amino acid residue is found in multiple mammalian species, which suggests that this missense change does not adversely affect protein function. In summary, the available evidence is currently insufficient to determine the role of this variant in disease. Therefore, it has been classified as a Variant of Uncertain Significance.

NM_005198.5(CHKB):c.34G>A (p.Gly12Arg)

Genes: CHKB (choline kinase beta; minus strand), CHKB-CPT1B (CHKB-CPT1B readthrough (NMD candidate); minus strand). Cytogenetic location: 22q13.33.
Variant type: single nucleotide variant.
Coding change: c.34G>A on transcript NM_005198.5 (MANE Select); coding-DNA position 34, G replaced by A.
Protein change: p.Gly12Arg; replaces glycine 12 with arginine.
Molecular consequence: missense variant. On other transcripts: non-coding transcript variant (1).
Genome position (GRCh38, 1-based): chr22:50,582,748, C>T on the plus strand (G>A on the coding strand, the complement: CHKB is on the minus strand). VCF-style: chr22-50582748-C-T. GRCh37 (hg19) VCF-style: chr22-51021177-C-T.
Other names: short protein forms G12R.
Identifiers: ClinVar variation 1439140 (VCV001439140.3), dbSNP rs533374333, ClinGen allele CA10323926.